The following is an entry in ClinVar:

ClinVar aggregate classification (germline): Conflicting classifications of pathogenicity. Review status: criteria provided, conflicting classifications (1 of 4 stars). 4 submissions from 4 submitters: Uncertain significance (1); Benign (1); Likely benign (1). 1 of the submissions does not count toward it. Last evaluated 2025-07-31.

Conditions:
VCAN-related disorder. Also called: VCAN-related condition.
Inborn genetic diseases. Identifiers: MedGen C0950123, MeSH D030342.

Allele frequency attached by ClinVar (database versions not stated): gnomAD 0.00001 and 0.00015; TOPMed 0.00002; gnomAD exomes 0.00021 and 0.00048; ExAC 0.00056; 1000 Genomes Project 30x 0.00094; 1000 Genomes Project 0.00120.
gnomAD v4.1: 338 of 1,614,072 alleles (0.021%); highest among the groups gnomAD compares: South Asian, 0.34%; 4 homozygotes.

Submissions (4):

Labcorp Genetics (formerly Invitae), Labcorp
Classification: Benign. Last evaluated: 2025-07-31. Review status: criteria provided, single submitter. Criteria: Invitae Variant Classification Sherloc (09022015). Collection method: clinical testing. Allele origin: germline.

Ambry Genetics
Classification: Uncertain significance for Inborn genetic diseases. Last evaluated: 2024-11-18. Review status: criteria provided, single submitter. Criteria: Ambry Variant Classification Scheme 2023. Collection method: clinical testing. Allele origin: germline.

Blueprint Genetics
Classification: Likely benign. Last evaluated: 2024-07-23. Review status: criteria provided, single submitter. Criteria: ACMG Guidelines, 2015. Collection method: clinical testing. Allele origin: germline.

PreventionGenetics, part of Exact Sciences
Classification: Likely benign for VCAN-related condition. Last evaluated: 2019-07-01. Review status: no assertion criteria provided. Collection method: clinical testing. Allele origin: germline. Not counted in ClinVar's aggregate classification.
Comment: This variant is classified as likely benign based on ACMG/AMP sequence variant interpretation guidelines (Richards et al. 2015 PMID: 25741868, with internal and published modifications).

NM_004385.5(VCAN):c.1775C>T (p.Thr592Ile)

Gene: VCAN (versican; plus strand). Cytogenetic location: 5q14.3.
Variant type: single nucleotide variant.
Coding change: c.1775C>T on transcript NM_004385.5 (MANE Select); coding-DNA position 1775, C replaced by T.
Protein change: p.Thr592Ile; replaces threonine 592 with isoleucine.
Molecular consequence: missense variant. On other transcripts: intron variant (2).
Genome position (GRCh38, 1-based): chr5:83,520,081, C>T. VCF-style: chr5-83520081-C-T. GRCh37 (hg19) VCF-style: chr5-82815900-C-T.
Other names: c.1775C>T, p.Thr592Ile (NM_001164098.2); c.1042+7685C>T (NM_001164097.2, NM_001126336.3); c.1775C>T (NM_004385.4); short protein forms T592I.
Identifiers: ClinVar variation 1167974 (VCV001167974.13), dbSNP rs536252273, ClinGen allele CA3332726.
Genomic context (GRCh38, chr5:83,520,081, plus strand): 5'-TCTTTGACCAAATTCCTGAAGTCATTACGGTGTCAAAGACTTCAGAAGACACCATCCACA[C>T]TCATTTAGAAGACTTGGAGTCAGTCTCAGCATCCACAACTGTTTCCCCTTTAATTATGCC-3'
Protein context (NP_004376.2, residues 582-602): VSKTSEDTIH[Thr592Ile]HLEDLESVSA